The following is an entry in ClinVar:

NM_015425.6(POLR1A):c.1511G>A (p.Arg504His)

Gene: POLR1A (RNA polymerase I subunit A; minus strand). Cytogenetic location: 2p11.2.
Variant type: single nucleotide variant.
Coding change: c.1511G>A on transcript NM_015425.6 (MANE Select); coding-DNA position 1511, G replaced by A.
Protein change: p.Arg504His; replaces arginine 504 with histidine.
Molecular consequence: missense variant.
Genome position (GRCh38, 1-based): chr2:86,075,130, C>T on the plus strand (G>A on the coding strand, the complement: POLR1A is on the minus strand). VCF-style: chr2-86075130-C-T. GRCh37 (hg19) VCF-style: chr2-86302253-C-T.
Other names: short protein forms R504H.
Identifiers: ClinVar variation 774163 (VCV000774163.36), dbSNP rs142266408, ClinGen allele CA1746320.
Genomic context (GRCh38, chr2:86,075,130, plus strand): 5'-GTCAGAAGCTGCTTGGCCACGGCCTCTCGCTGGGTCATGTCCACAGCGCTCAGGGCTGTG[C>T]GGCTGCCGTCCTCATTGATGACCATGGAGGCTCCTGGGTGCACATTAGGGCCGTTGATGA-3'
Protein context (NP_056240.2, residues 494-514): ASMVINEDGS[Arg504His]TALSAVDMTQ

ClinVar aggregate classification (germline): Conflicting classifications of pathogenicity. Review status: criteria provided, conflicting classifications (1 of 4 stars). 5 submissions from 5 submitters: Uncertain significance (2); Likely benign (3). Last evaluated 2026-03-01.

Conditions:
Inborn genetic diseases. Identifiers: MedGen C0950123, MeSH D030342.
Acrofacial dysostosis Cincinnati type. Identifiers: Orphanet 1200, MedGen C4225317, MONDO:0014651, OMIM 616462.

Allele frequency attached by ClinVar (database versions not stated): 1000 Genomes Project 0.00140; 1000 Genomes Project 30x 0.00141; gnomAD 0.00229; TOPMed 0.00265; gnomAD exomes 0.00273; ESP Exome Variant Server 0.00305; ExAC 0.00313.

Submissions (5):

CeGaT Center for Human Genetics Tuebingen
Classification: Likely benign. Last evaluated: 2026-03-01. Review status: criteria provided, single submitter. Criteria: CeGaT Center For Human Genetics Tuebingen Variant Classification Criteria Version 2. Collection method: clinical testing. Allele origin: germline. Affected: yes. Observed: 6 variant alleles.
Comment: POLR1A: BP4, BS2

Labcorp Genetics (formerly Invitae), Labcorp
Classification: Likely benign. Last evaluated: 2026-02-01. Review status: criteria provided, single submitter. Criteria: Invitae Variant Classification Sherloc (09022015). Collection method: clinical testing. Allele origin: germline.

Blueprint Genetics
Classification: Likely benign. Last evaluated: 2024-11-25. Review status: criteria provided, single submitter. Criteria: ACMG Guidelines, 2015. Collection method: clinical testing. Allele origin: germline.

Ambry Genetics
Classification: Uncertain significance for Inborn genetic diseases. Last evaluated: 2021-09-16. Review status: criteria provided, single submitter. Criteria: Ambry Variant Classification Scheme 2023. Collection method: clinical testing. Allele origin: germline.

Institute of Human Genetics, University of Leipzig Medical Center
Classification: Uncertain significance for Acrofacial dysostosis Cincinnati type. Last evaluated: 2019-01-01. Review status: criteria provided, single submitter. Criteria: ACMG Guidelines, 2015. Collection method: clinical testing. Allele origin: unknown. Affected: no.